The following is an entry in ClinVar:

NM_003798.4(CTNNAL1):c.525C>T (p.Leu175=)

Gene: CTNNAL1 (catenin alpha like 1; minus strand). Cytogenetic location: 9q31.3.
Variant type: single nucleotide variant.
Coding change: c.525C>T on transcript NM_003798.4 (MANE Select); coding-DNA position 525, C replaced by T.
Protein change: p.Leu175=; no amino-acid change (leucine 175 retained).
Molecular consequence: synonymous variant.
Genome position (GRCh38, 1-based): chr9:108,990,840, G>A on the plus strand (C>T on the coding strand, the complement: CTNNAL1 is on the minus strand). VCF-style: chr9-108990840-G-A. GRCh37 (hg19) VCF-style: chr9-111753120-G-A.
Other names: c.525C>T, p.Leu175= (NM_001286974.2).
Identifiers: ClinVar variation 3771512 (VCV003771512.13).
Genomic context (GRCh38, chr9:108,990,840, plus strand): 5'-ACTGAATATTTGGACAAACTCTTGAAAGCTATTCACTTTCTCTAGTCTTTCCATAGTTGC[G>A]AGAACCTGCAAAACAGATAATAATTCATTATTTGGTGAGAGCTACTCAAGAGACTGAGAT-3'
Protein context (NP_003789.1, residues 165-185): KQIITSRNKV[Leu175=]ATMERLEKVN

ClinVar aggregate classification (germline): Likely benign (1 of 4 stars; one submission).

gnomAD v4.1: 90 of 1,611,940 alleles (0.0056%); highest among the groups gnomAD compares: South Asian, 0.017%; no homozygotes.

Submission:

CeGaT Center for Human Genetics Tuebingen
Classification: Likely benign. Last evaluated: 2025-02-01. Review status: criteria provided, single submitter. Criteria: CeGaT Center For Human Genetics Tuebingen Variant Classification Criteria Version 2. Collection method: clinical testing. Allele origin: germline. Affected: yes. Observed: 1 variant allele.
Comment: CTNNAL1: BP4, BP7